The following is an entry in ClinVar:

ClinVar aggregate classification (germline): Benign (0 of 4 stars; one submission).

Conditions:
RAD1-related disorder. Also called: RAD1-related condition.

Allele frequency attached by ClinVar (database versions not stated): 1000 Genomes Project 0.04533; 1000 Genomes Project 30x 0.04622; TOPMed 0.04984; gnomAD 0.05400; ESP Exome Variant Server 0.05638; ExAC 0.06866; gnomAD exomes 0.07316.
gnomAD v4.1: 113,849 of 1,600,262 alleles (7.1%); highest among the groups gnomAD compares: South Asian, 12%; 4,655 homozygotes.

Submission:

PreventionGenetics, part of Exact Sciences
Classification: Benign for RAD1-related condition. Last evaluated: 2019-11-16. Review status: no assertion criteria provided. Collection method: clinical testing. Allele origin: germline.
Comment: This variant is classified as benign based on ACMG/AMP sequence variant interpretation guidelines (Richards et al. 2015 PMID: 25741868, with internal and published modifications).

NM_002853.4(RAD1):c.842A>G (p.Glu281Gly)

Genes: RAD1 (RAD1 checkpoint DNA exonuclease; minus strand), TTC23L (tetratricopeptide repeat domain 23 like; plus strand). Cytogenetic location: 5p13.2.
Variant type: single nucleotide variant.
Coding change: c.842A>G on transcript NM_002853.4 (MANE Select); coding-DNA position 842, A replaced by G.
Protein change: p.Glu281Gly; replaces glutamic acid 281 with glycine.
Molecular consequence: missense variant. On other transcripts: non-coding transcript variant (1).
Genome position (GRCh38, 1-based): chr5:34,908,772, T>C on the plus strand (A>G on the coding strand, the complement: RAD1 is on the minus strand). VCF-style: chr5-34908772-T-C. GRCh37 (hg19) VCF-style: chr5-34908877-T-C.
Other names: short protein forms E281G.
Identifiers: ClinVar variation 3057114 (VCV003057114.2), dbSNP rs1805327, ClinGen allele CA3227712.